The following is an entry in ClinVar:

ClinVar aggregate classification (germline): Uncertain significance. Review status: criteria provided, multiple submitters, no conflicts (2 of 4 stars). 2 submissions from 2 submitters: Uncertain significance (2). Last evaluated 2023-02-09.

Conditions:
Autoinflammatory syndrome. Identifiers: Orphanet 93665, MedGen C3890737, MONDO:0019751.
TNF receptor-associated periodic fever syndrome (TRAPS) (FPF). Also called: FAMILIAL HIBERNIAN FEVER; TNF RECEPTOR-ASSOCIATED PERIODIC SYNDROME; TUMOR NECROSIS FACTOR RECEPTOR-ASSOCIATED PERIODIC SYNDROME; TNF Receptor-Associated Periodic Fever Syndrome; TNF receptor 1-associated periodic fever syndrome; Autosomal Dominant Familial Periodic Fever. Identifiers: Orphanet 32960, MedGen C1275126, MONDO:0007727, OMIM 142680.

Allele frequency attached by ClinVar (database versions not stated): gnomAD exomes below 0.00001; gnomAD 0.00001; TOPMed 0.00001.

Submissions (2):

Labcorp Genetics (formerly Invitae), Labcorp
Classification: Uncertain significance for TNF receptor-associated periodic fever syndrome (TRAPS). Last evaluated: 2023-02-09. Review status: criteria provided, single submitter. Criteria: Invitae Variant Classification Sherloc (09022015). Collection method: clinical testing. Allele origin: germline.
Comment: In summary, the available evidence is currently insufficient to determine the role of this variant in disease. Therefore, it has been classified as a Variant of Uncertain Significance. Advanced modeling of protein sequence and biophysical properties (such as structural, functional, and spatial information, amino acid conservation, physicochemical variation, residue mobility, and thermodynamic stability) has been performed at Invitae for this missense variant, however the output from this modeling did not meet the statistical confidence thresholds required to predict the impact of this variant on TNFRSF1A protein function. ClinVar contains an entry for this variant (Variation ID: 1694193). This variant has not been reported in the literature in individuals affected with TNFRSF1A-related conditions. The frequency data for this variant in the population databases is considered unreliable, as metrics indicate poor data quality at this position in the gnomAD database. This sequence change replaces arginine, which is basic and polar, with glutamine, which is neutral and polar, at codon 413 of the TNFRSF1A protein (p.Arg413Gln).

Genome Diagnostics Laboratory, The Hospital for Sick Children
Classification: Uncertain significance for Autoinflammatory syndrome. Last evaluated: 2016-12-12. Review status: criteria provided, single submitter. Criteria: ACMG Guidelines, 2015. Collection method: clinical testing. Allele origin: germline. Affected: yes.

NM_001065.4(TNFRSF1A):c.1238G>A (p.Arg413Gln)

Gene: TNFRSF1A (TNF receptor superfamily member 1A; minus strand). Cytogenetic location: 12p13.31.
Variant type: single nucleotide variant.
Coding change: c.1238G>A on transcript NM_001065.4 (MANE Select); coding-DNA position 1238, G replaced by A.
Protein change: p.Arg413Gln; replaces arginine 413 with glutamine.
Molecular consequence: missense variant. On other transcripts: non-coding transcript variant (1).
Genome position (GRCh38, 1-based): chr12:6,329,442, C>T on the plus strand (G>A on the coding strand, the complement: TNFRSF1A is on the minus strand). VCF-style: chr12-6329442-C-T. GRCh37 (hg19) VCF-style: chr12-6438608-C-T.
Other names: c.914G>A, p.Arg305Gln (NM_001346091.2); c.779G>A, p.Arg260Gln (NM_001346092.2); short protein forms R260Q, R305Q, R413Q.
Identifiers: ClinVar variation 1694193 (VCV001694193.6), dbSNP rs1310241012, ClinGen allele CA383544706.